The following is an entry in ClinVar:

ClinVar aggregate classification (germline): Pathogenic (1 of 4 stars; one submission).

Submission:

Labcorp Genetics (formerly Invitae), Labcorp
Classification: Pathogenic. Last evaluated: 2022-09-26. Review status: criteria provided, single submitter. Criteria: Invitae Variant Classification Sherloc (09022015). Collection method: clinical testing. Allele origin: germline.
Comment: This sequence change creates a premature translational stop signal (p.Val947Trpfs*42) in the CDH23 gene. It is expected to result in an absent or disrupted protein product. Loss-of-function variants in CDH23 are known to be pathogenic (PMID: 11138009, 21940737). This variant is not present in population databases (gnomAD no frequency). This variant has not been reported in the literature in individuals affected with CDH23-related conditions. ClinVar contains an entry for this variant (Variation ID: 840875). For these reasons, this variant has been classified as Pathogenic.

Literature cited by the submitters: PubMed 11138009; PubMed 21940737.

NM_022124.6(CDH23):c.2839del (p.Val947fs)

Gene: CDH23 (cadherin related 23; plus strand). Cytogenetic location: 10q22.1.
Variant type: Deletion.
Coding change: c.2839del on transcript NM_022124.6 (MANE Select); coding-DNA position 2839, one base deleted (G; older notation c.2839delG).
Protein change: p.Val947fs; shifts the reading frame from valine 947.
Molecular consequence: frameshift variant.
Genome position (GRCh38, 1-based): chr10:71,705,016, G deleted; the last of 2 consecutive G bases (chr10:71,705,015-71,705,016); deleting either gives the same sequence. VCF-style (leftmost placement, unchanged base first): chr10-71705014-TG-T. GRCh37 (hg19) VCF-style: chr10-73464771-TG-T.
Other names: c.2839del, p.Val947fs (NM_001171930.2, NM_001171931.2); short protein forms V947fs.
Identifiers: ClinVar variation 840875 (VCV000840875.7), dbSNP rs1865727404, ClinGen allele CA916083142.